The following is an entry in ClinVar:

ClinVar aggregate classification (germline): Uncertain significance (1 of 4 stars; one submission).

Conditions:
Fanconi anemia complementation group J. Also called: BRIP1-Related Fanconi Anemia. Identifiers: Orphanet 84, MedGen C1836860, MONDO:0012187, OMIM 609054.
Familial cancer of breast. Also called: Hereditary breast cancer; hereditary breast carcinoma; BREAST CANCER, FAMILIAL. Identifiers: Orphanet 227535, MedGen C0346153, MONDO:0016419, OMIM 114480. Disease mechanism: loss of function.

gnomAD v4.1: 1 of 1,613,732 alleles (0.000062%); highest among the groups gnomAD compares: Non-Finnish European, 0.000085%; no homozygotes.

Submission:

Labcorp Genetics (formerly Invitae), Labcorp
Classification: Uncertain significance for Familial cancer of breast; Fanconi anemia complementation group J. Last evaluated: 2025-07-16. Review status: criteria provided, single submitter. Criteria: Invitae Variant Classification Sherloc (09022015). Collection method: clinical testing. Allele origin: germline.
Comment: This sequence change replaces proline, which is neutral and non-polar, with glutamine, which is neutral and polar, at codon 272 of the BRIP1 protein (p.Pro272Gln). This variant is not present in population databases (gnomAD no frequency). This variant has not been reported in the literature in individuals affected with BRIP1-related conditions. Invitae Evidence Modeling of protein sequence and biophysical properties (such as structural, functional, and spatial information, amino acid conservation, physicochemical variation, residue mobility, and thermodynamic stability) indicates that this missense variant is not expected to disrupt BRIP1 protein function with a negative predictive value of 95%. In summary, the available evidence is currently insufficient to determine the role of this variant in disease. Therefore, it has been classified as a Variant of Uncertain Significance.

NM_032043.3(BRIP1):c.815C>A (p.Pro272Gln)

Gene: BRIP1 (BRCA1 interacting DNA helicase 1; minus strand). Cytogenetic location: 17q23.2.
Variant type: single nucleotide variant.
Coding change: c.815C>A on transcript NM_032043.3 (MANE Select); coding-DNA position 815, C replaced by A.
Protein change: p.Pro272Gln; replaces proline 272 with glutamine.
Molecular consequence: missense variant.
Genome position (GRCh38, 1-based): chr17:61,808,570, G>T on the plus strand (C>A on the coding strand, the complement: BRIP1 is on the minus strand). VCF-style: chr17-61808570-G-T. GRCh37 (hg19) VCF-style: chr17-59885931-G-T.
Other names: short protein forms P272Q.
Identifiers: ClinVar variation 4783574 (VCV004783574.1).